The following is an entry in ClinVar:

NM_004448.4(ERBB2):c.1347C>G (p.Gly449=)

Gene: ERBB2 (erb-b2 receptor tyrosine kinase 2; plus strand). Cytogenetic location: 17q12.
Variant type: single nucleotide variant.
Coding change: c.1347C>G on transcript NM_004448.4 (MANE Select); coding-DNA position 1347, C replaced by G.
Protein change: p.Gly449=; no amino-acid change (glycine 449 retained).
Molecular consequence: synonymous variant. On other transcripts: non-coding transcript variant (1), intron variant (1).
Genome position (GRCh38, 1-based): chr17:39,715,773, C>G. VCF-style: chr17-39715773-C-G. GRCh37 (hg19) VCF-style: chr17-37872026-C-G.
Other names: c.1089C>G, p.Gly363= (NM_001382802.1); c.1347C>G, p.Gly449= (NM_001382803.1, NM_001382805.1, NM_001382800.1 and 12 more transcripts); c.519C>G, p.Gly173= (NM_001382804.1); c.1222+414C>G (NM_001382806.1); c.1167C>G, p.Gly389= (NM_001382799.1); c.1257C>G, p.Gly419= (NM_001005862.3, NM_001289938.2, NM_001382782.1 and 1 more transcripts); c.1302C>G, p.Gly434= (NM_001289936.2); c.1464C>G, p.Gly488= (NM_001382784.1, NM_001382786.1); and 3 more.
Identifiers: ClinVar variation 5040303 (VCV005040303.1).
Genomic context (GRCh38, chr17:39,715,773, plus strand): 5'-GGTAAGGTGCCCACCTTTCTCCCATAGTGGCGCCTACTCGCTGACCCTGCAAGGGCTGGG[C>G]ATCAGCTGGCTGGGGCTGCGCTCACTGAGGGAACTGGGCAGTGGACTGGCCCTCATCCAC-3'
Protein context (NP_004439.2, residues 439-459): GAYSLTLQGL[Gly449=]ISWLGLRSLR

ClinVar aggregate classification (germline): Likely benign (1 of 4 stars; one submission).

Submission:

CeGaT Center for Human Genetics Tuebingen
Classification: Likely benign. Last evaluated: 2026-07-01. Review status: criteria provided, single submitter. Criteria: CeGaT Center For Human Genetics Tuebingen Variant Classification Criteria Version 2. Collection method: clinical testing. Allele origin: germline. Affected: yes. Observed: 1 variant allele.
Comment: ERBB2: PM2:Supporting, BP4, BP7